The following is an entry in ClinVar:

NM_001040142.2(SCN2A):c.2446T>C (p.Tyr816His)

Gene: SCN2A (sodium voltage-gated channel alpha subunit 2; plus strand). Cytogenetic location: 2q24.3.
Variant type: single nucleotide variant.
Coding change: c.2446T>C on transcript NM_001040142.2 (MANE Select); coding-DNA position 2446, T replaced by C.
Protein change: p.Tyr816His; replaces tyrosine 816 with histidine.
Molecular consequence: missense variant.
Genome position (GRCh38, 1-based): chr2:165,342,353, T>C. VCF-style: chr2-165342353-T-C. GRCh37 (hg19) VCF-style: chr2-166198863-T-C.
Other names: c.2446T>C, p.Tyr816His (NM_001040143.2, NM_001371246.1, NM_001371247.1 and 1 more transcripts); short protein forms Y816H.
Identifiers: ClinVar variation 1316985 (VCV001316985.2), dbSNP rs2105314799, ClinGen allele CA349012606.

ClinVar aggregate classification (germline): Uncertain significance (1 of 4 stars; one submission).

Submission:

GeneDx
Classification: Uncertain significance. Last evaluated: 2019-06-03. Review status: criteria provided, single submitter. Criteria: GeneDx Variant Classification Process June 2021. Collection method: clinical testing. Allele origin: germline. Affected: yes.
Comment: Not observed in large population cohorts (Lek et al., 2016); The majority of missense variants in this gene are considered pathogenic (Stenson et al., 2014); In silico analysis, which includes protein predictors and evolutionary conservation, supports a deleterious effect; Has not been previously published as pathogenic or benign to our knowledge